The following is an entry in ClinVar:

ClinVar aggregate classification (germline): Uncertain significance (1 of 4 stars; one submission).

gnomAD v4.1: 1 of 1,605,234 alleles (0.000062%); highest among the groups gnomAD compares: Non-Finnish European, 0.000085%; no homozygotes.

Submission:

GeneDx
Classification: Uncertain significance. Last evaluated: 2025-06-11. Review status: criteria provided, single submitter. Criteria: GeneDx Variant Classification Process June 2021. Collection method: clinical testing. Allele origin: germline. Affected: yes.
Comment: Not observed at significant frequency in large population cohorts (gnomAD); In silico analysis supports that this missense variant has a deleterious effect on protein structure/function; Has not been previously published as pathogenic or benign to our knowledge

NM_006946.4(SPTBN2):c.1470G>C (p.Glu490Asp)

Gene: SPTBN2 (spectrin beta, non-erythrocytic 2; minus strand). Cytogenetic location: 11q13.2.
Variant type: single nucleotide variant.
Coding change: c.1470G>C on transcript NM_006946.4 (MANE Select); coding-DNA position 1470, G replaced by C.
Protein change: p.Glu490Asp; replaces glutamic acid 490 with aspartic acid.
Molecular consequence: missense variant.
Genome position (GRCh38, 1-based): chr11:66,707,699, C>G on the plus strand (G>C on the coding strand, the complement: SPTBN2 is on the minus strand). VCF-style: chr11-66707699-C-G. GRCh37 (hg19) VCF-style: chr11-66475170-C-G.
Other names: c.1491G>C, p.Glu497Asp (NM_001411025.1); c.1470G>C, p.Glu490Asp (NM_001437541.1); short protein forms E490D, E497D.
Identifiers: ClinVar variation 4537691 (VCV004537691.1).
Genomic context (GRCh38, chr11:66,707,699, plus strand): 5'-TGCCACGTTGTGCTGCCGAGCGGCGATGCGCTTGATGTCGTGGTAGCGCTCGGCGGCCAG[C>G]TCTGCAGCCACGGCGTCCACTGCCTGCACCCGGCCGCTGTAGGCCACGATGTCCGTCTCA-3'
Protein context (NP_008877.2, residues 480-500): RVQAVDAVAA[Glu490Asp]LAAERYHDIK